The following is an entry in ClinVar:

ClinVar aggregate classification (germline): Uncertain significance. Review status: criteria provided, multiple submitters, no conflicts (2 of 4 stars). 5 submissions from 5 submitters: Uncertain significance (5). Last evaluated 2026-03-27.

Conditions:
BBS9-related disorder. Also called: BBS9-related condition.
Inborn genetic diseases. Identifiers: MedGen C0950123, MeSH D030342.
Bardet-Biedl syndrome (BBS). Identifiers: Orphanet 110, MedGen C0752166, MONDO:0015229.
Bardet-Biedl syndrome 9 (BBS9). Identifiers: Orphanet 110, MedGen C1859567, MONDO:0014437, OMIM 615986.

Allele frequency attached by ClinVar (database versions not stated): ExAC 0.00008; ESP Exome Variant Server 0.00008; gnomAD exomes 0.00008 and 0.00014; TOPMed 0.00008; gnomAD 0.00009 and 0.00011.

Submissions (5):

PreventionGenetics, part of Exact Sciences
Classification: Uncertain significance for BBS9-related condition. Last evaluated: 2026-03-27. Review status: criteria provided, single submitter. Criteria: ACMG Guidelines, 2015. Collection method: clinical testing. Allele origin: germline.
Comment: The BBS9 c.928A>G variant is predicted to result in the amino acid substitution p.Asn310Asp. To our knowledge, this variant has not been reported in the literature. This variant is reported in 0.016% of alleles in individuals of European (non-Finnish) descent in gnomAD. At this time, the clinical significance of this variant is uncertain due to the absence of conclusive functional and genetic evidence.

Ambry Genetics
Classification: Uncertain significance for Inborn genetic diseases. Last evaluated: 2023-10-13. Review status: criteria provided, single submitter. Criteria: Ambry Variant Classification Scheme 2023. Collection method: clinical testing. Allele origin: germline.

Labcorp Genetics (formerly Invitae), Labcorp
Classification: Uncertain significance for Bardet-Biedl syndrome. Last evaluated: 2022-09-13. Review status: criteria provided, single submitter. Criteria: Invitae Variant Classification Sherloc (09022015). Collection method: clinical testing. Allele origin: germline.
Comment: This sequence change replaces asparagine, which is neutral and polar, with aspartic acid, which is acidic and polar, at codon 310 of the BBS9 protein (p.Asn310Asp). This variant is present in population databases (rs369647403, gnomAD 0.02%). This variant has not been reported in the literature in individuals affected with BBS9-related conditions. ClinVar contains an entry for this variant (Variation ID: 968155). Advanced modeling of protein sequence and biophysical properties (such as structural, functional, and spatial information, amino acid conservation, physicochemical variation, residue mobility, and thermodynamic stability) performed at Invitae indicates that this missense variant is not expected to disrupt BBS9 protein function. In summary, the available evidence is currently insufficient to determine the role of this variant in disease. Therefore, it has been classified as a Variant of Uncertain Significance.

Fulgent Genetics
Classification: Uncertain significance for Bardet-Biedl syndrome 9. Last evaluated: 2022-04-26. Review status: criteria provided, single submitter. Criteria: ACMG Guidelines, 2015. Collection method: clinical testing. Allele origin: unknown.

GeneDx
Classification: Uncertain significance. Last evaluated: 2019-10-31. Review status: criteria provided, single submitter. Criteria: GeneDx Variant Classification Process June 2021. Collection method: clinical testing. Allele origin: germline. Affected: yes.
Comment: In silico analysis, which includes protein predictors and evolutionary conservation, supports a deleterious effect; Has not been previously published as pathogenic or benign to our knowledge

NM_198428.3(BBS9):c.928A>G (p.Asn310Asp)

Gene: BBS9 (Bardet-Biedl syndrome 9; plus strand). Cytogenetic location: 7p14.3.
Variant type: single nucleotide variant.
Coding change: c.928A>G on transcript NM_198428.3 (MANE Select); coding-DNA position 928, A replaced by G.
Protein change: p.Asn310Asp; replaces asparagine 310 with aspartic acid.
Molecular consequence: missense variant. On other transcripts: non-coding transcript variant (3).
Genome position (GRCh38, 1-based): chr7:33,273,868, A>G. VCF-style: chr7-33273868-A-G. GRCh37 (hg19) VCF-style: chr7-33313480-A-G.
Other names: c.928A>G, p.Asn310Asp (NM_001033604.2, NM_001033605.2, NM_001348036.1 and 5 more transcripts); c.562A>G, p.Asn188Asp (NM_001348037.3, NM_001348044.3, NM_001348045.3 and 1 more transcripts); c.655A>G, p.Asn219Asp (NM_001348038.3, NM_001348039.3); c.793A>G, p.Asn265Asp (NM_001348042.3); short protein forms N219D, N265D, N310D, N188D.
Identifiers: ClinVar variation 968155 (VCV000968155.14), dbSNP rs369647403, ClinGen allele CA4214148.